The following is an entry in ClinVar:

ClinVar aggregate classification (germline): Uncertain significance (1 of 4 stars; one submission).

Conditions:
Neuropathy, hereditary sensory and autonomic, type 2A (HSAN2A). Also called: HSAN IIA; WNK1-Related HSAN2 (HSAN2A); ACROOSTEOLYSIS, GIACCAI TYPE; ACROOSTEOLYSIS, NEUROGENIC; MORVAN DISEASE; NEUROPATHY, CONGENITAL SENSORY. Identifiers: Orphanet 970, MedGen C2752089, MONDO:0024309, OMIM 201300.
Pseudohypoaldosteronism type 2C (PHA2C). Also called: Pseudohypoaldosteronism Type IIC. Identifiers: Orphanet 757, Orphanet 88940, MedGen C1840391, MONDO:0013778, OMIM 614492.

Allele frequency attached by ClinVar (database versions not stated): TOPMed below 0.00001.
gnomAD v4.1: 12 of 1,507,514 alleles (0.0008%); highest among the groups gnomAD compares: East Asian, 0.0099%; no homozygotes.

Submission:

Labcorp Genetics (formerly Invitae), Labcorp
Classification: Uncertain significance for Neuropathy, hereditary sensory and autonomic, type 2A; Pseudohypoaldosteronism type 2C. Last evaluated: 2026-01-12. Review status: criteria provided, single submitter. Criteria: Invitae Variant Classification Sherloc (09022015). Collection method: clinical testing. Allele origin: germline.
Comment: This sequence change affects an acceptor splice site in intron 8 of the WNK1 gene. However, it is currently unclear if variants that occur in this region of the gene cause disease. This variant is present in population databases (no rsID available, gnomAD 0.06%). This variant has not been reported in the literature in individuals affected with WNK1-related conditions. ClinVar contains an entry for this variant (Variation ID: 2950394). Variants that disrupt the consensus splice site are a relatively common cause of aberrant splicing (PMID: 17576681, 9536098). Algorithms developed to predict the effect of sequence changes on RNA splicing suggest that this variant may create or strengthen a splice site. In summary, the available evidence is currently insufficient to determine the role of this variant in disease. Therefore, it has been classified as a Variant of Uncertain Significance.

Literature cited by the submitters: PubMed 17576681; PubMed 9536098.

NM_213655.5(WNK1):c.2140-1G>A

Gene: WNK1 (WNK lysine deficient protein kinase 1; plus strand). Cytogenetic location: 12p13.33.
Variant type: single nucleotide variant.
Coding change: c.2140-1G>A on transcript NM_213655.5 (MANE Plus Clinical); the canonical splice acceptor site of the intron before coding-DNA position 2140, G replaced by A.
Molecular consequence: splice acceptor variant. On other transcripts: intron variant (3).
Genome position (GRCh38, 1-based): chr12:865,109, G>A. VCF-style: chr12-865109-G-A. GRCh37 (hg19) VCF-style: chr12-974275-G-A.
Other names: c.2140-2757G>A (NM_001184985.2); c.2139+2839G>A (NM_018979.4, NM_014823.3).
Identifiers: ClinVar variation 2950394 (VCV002950394.3), dbSNP rs1289250994, ClinGen allele CA383337455.
Genomic context (GRCh38, chr12:865,109, plus strand): 5'-TTTTGTTTATTTTGTTTTCACAGTACTGTGTTTTTCATGTGTGTGTTTGTTTTGTGTTGA[G>A]CCTCGTCGTGGCCGTAGCATGTCGGTTTGTGTTCCCATCTTTCTGCTGTTGCCTCTGTGT-3'